The following is an entry in ClinVar:

ClinVar aggregate classification (germline): Likely benign (1 of 4 stars; one submission).

Submission:

CeGaT Center for Human Genetics Tuebingen
Classification: Likely benign. Last evaluated: 2025-11-01. Review status: criteria provided, single submitter. Criteria: CeGaT Center For Human Genetics Tuebingen Variant Classification Criteria Version 2. Collection method: clinical testing. Allele origin: germline. Affected: yes. Observed: 1 variant allele.
Comment: AKAP12: BP4

NM_005100.4(AKAP12):c.1060G>A (p.Glu354Lys)

Gene: AKAP12 (A-kinase anchoring protein 12; plus strand). Cytogenetic location: 6q25.1.
Variant type: single nucleotide variant.
Coding change: c.1060G>A on transcript NM_005100.4 (MANE Select); coding-DNA position 1060, G replaced by A.
Protein change: p.Glu354Lys; replaces glutamic acid 354 with lysine.
Molecular consequence: missense variant.
Genome position (GRCh38, 1-based): chr6:151,349,451, G>A. VCF-style: chr6-151349451-G-A. GRCh37 (hg19) VCF-style: chr6-151670586-G-A.
Other names: c.745G>A, p.Glu249Lys (NM_001370346.1); c.766G>A, p.Glu256Lys (NM_144497.2); short protein forms E249K, E256K, E354K.
Identifiers: ClinVar variation 4533566 (VCV004533566.6).